The following is an entry in ClinVar:

NM_000016.6(ACADM):c.656T>C (p.Phe219Ser)

Gene: ACADM (acyl-CoA dehydrogenase medium chain; plus strand). Cytogenetic location: 1p31.1.
Variant type: single nucleotide variant.
Coding change: c.656T>C on transcript NM_000016.6 (MANE Select); coding-DNA position 656, T replaced by C.
Protein change: p.Phe219Ser; replaces phenylalanine 219 with serine.
Molecular consequence: missense variant.
Genome position (GRCh38, 1-based): chr1:75,745,862, T>C. VCF-style: chr1-75745862-T-C. GRCh37 (hg19) VCF-style: chr1-76211547-T-C.
Other names: c.668T>C, p.Phe223Ser (NM_001127328.3); c.548T>C, p.Phe183Ser (NM_001286042.2); c.755T>C, p.Phe252Ser (NM_001286043.2); c.89T>C, p.Phe30Ser (NM_001286044.2); short protein forms F183S, F219S, F223S, F252S, F30S.
Identifiers: ClinVar variation 4888218 (VCV004888218.2).
Genomic context (GRCh38, chr1:75,745,862, plus strand): 5'-TTAGGTATTTTTTATTGGCACGTTCTGATCCAGATCCTAAAGCTCCTGCTAATAAAGCCT[T>C]TACTGGATTCATTGTGGAAGCAGATACCCCAGGAATTCAGATTGGGAGAAAGGTAAAGTA-3'
Protein context (NP_000007.1, residues 209-229): PDPKAPANKA[Phe219Ser]TGFIVEADTP

ClinVar aggregate classification (germline): Likely pathogenic. Review status: criteria provided, multiple submitters, no conflicts (2 of 4 stars). 2 submissions from 2 submitters: Likely pathogenic (2). Last evaluated 2026-03-02.

Conditions:
ACADM-related disorder. Also called: ACADM-related condition.

Submissions (2):

GeneDx
Classification: Likely pathogenic. Last evaluated: 2026-03-02. Review status: criteria provided, single submitter. Criteria: GeneDx Variant Classification Process June 2021. Collection method: clinical testing. Allele origin: germline.
Comment: Published functional studies demonstrate severely reduced enzyme activity (PMID: 24966162); Not observed at significant frequency in large population cohorts (gnomAD); In silico analysis supports that this missense variant has a deleterious effect on protein structure/function; Also known as F194S; This variant is associated with the following publications: (PMID: 24966162)

PreventionGenetics, part of Exact Sciences
Classification: Likely pathogenic for ACADM-related condition. Last evaluated: 2025-10-28. Review status: criteria provided, single submitter. Criteria: ACMG Guidelines, 2015. Collection method: clinical testing. Allele origin: germline.
Comment: The ACADM c.656T>C variant is predicted to result in the amino acid substitution p.Phe219Ser. This variant was reported without a second ACADM variant in an individual with a positive newborn screening for medium chain acyl CoA dehydrogenase deficiency (Koster et al. 2014. PubMed ID: 24966162). In vitro functional studies showed that this variant lead to severely reduced residual octanoyl-CoA oxidation activities. This variant has not been reported in a large population database (gnomAD), indicating this variant is rare. This variant is interpreted as likely pathogenic.